The following is an entry in ClinVar:

ClinVar aggregate classification (germline): Uncertain significance. Review status: criteria provided, multiple submitters, no conflicts (2 of 4 stars). 2 submissions from 2 submitters: Uncertain significance (2). Last evaluated 2024-09-30.

Conditions:
Inborn genetic diseases. Identifiers: MedGen C0950123, MeSH D030342.
Neuropathy, hereditary motor and sensory, type 6B (HMSN6B). Also called: HMSN VIB; CHARCOT-MARIE-TOOTH DISEASE, TYPE 6B; Neuropathy, hereditary motor and sensory, type VIB; NEUROPATHY, HEREDITARY MOTOR AND SENSORY, TYPE VIB, WITH OPTIC ATROPHY. Identifiers: MedGen C4225302, MONDO:0014671, OMIM 616505.

Allele frequency attached by ClinVar (database versions not stated): gnomAD exomes below 0.00001 and 0.00001; gnomAD 0.00001; ExAC 0.00002.
gnomAD v4.1: 18 of 1,574,876 alleles (0.0011%); highest among the groups gnomAD compares: Non-Finnish European, 0.0015%; no homozygotes.

Submissions (2):

Ambry Genetics
Classification: Uncertain significance for Inborn genetic diseases. Last evaluated: 2024-09-30. Review status: criteria provided, single submitter. Criteria: Ambry Variant Classification Scheme 2023. Collection method: clinical testing. Allele origin: germline.

Labcorp Genetics (formerly Invitae), Labcorp
Classification: Uncertain significance for Neuropathy, hereditary motor and sensory, type 6B. Last evaluated: 2021-08-28. Review status: criteria provided, single submitter. Criteria: Invitae Variant Classification Sherloc (09022015). Collection method: clinical testing. Allele origin: germline.
Comment: This sequence change replaces valine with alanine at codon 211 of the SLC25A46 protein (p.Val211Ala). The valine residue is moderately conserved and there is a small physicochemical difference between valine and alanine. This variant is present in population databases (rs756983101, ExAC 0.003%). This variant has not been reported in the literature in individuals affected with SLC25A46-related conditions. Algorithms developed to predict the effect of missense changes on protein structure and function (SIFT, PolyPhen-2, Align-GVGD) all suggest that this variant is likely to be tolerated. In summary, the available evidence is currently insufficient to determine the role of this variant in disease. Therefore, it has been classified as a Variant of Uncertain Significance.

NM_138773.4(SLC25A46):c.632T>C (p.Val211Ala)

Gene: SLC25A46 (solute carrier family 25 member 46; plus strand). Cytogenetic location: 5q22.1.
Variant type: single nucleotide variant.
Coding change: c.632T>C on transcript NM_138773.4 (MANE Select); coding-DNA position 632, T replaced by C.
Protein change: p.Val211Ala; replaces valine 211 with alanine.
Molecular consequence: missense variant. On other transcripts: non-coding transcript variant (1).
Genome position (GRCh38, 1-based): chr5:110,756,713, T>C. VCF-style: chr5-110756713-T-C. GRCh37 (hg19) VCF-style: chr5-110092413-T-C.
Other names: c.632T>C, p.Val211Ala (NM_001303249.3); c.359T>C, p.Val120Ala (NM_001303250.3); short protein forms V120A, V211A.
Identifiers: ClinVar variation 1408968 (VCV001408968.8), dbSNP rs756983101, ClinGen allele CA3364677.